The following is an entry in ClinVar:

NM_012062.5(DNM1L):c.820C>T (p.Pro274Ser)

Gene: DNM1L (dynamin 1 like; plus strand). Cytogenetic location: 12p11.21.
Variant type: single nucleotide variant.
Coding change: c.820C>T on transcript NM_012062.5 (MANE Select); coding-DNA position 820, C replaced by T.
Protein change: p.Pro274Ser; replaces proline 274 with serine.
Molecular consequence: missense variant.
Genome position (GRCh38, 1-based): chr12:32,720,743, C>T. VCF-style: chr12-32720743-C-T. GRCh37 (hg19) VCF-style: chr12-32873677-C-T.
Other names: c.820C>T, p.Pro274Ser (NM_001278463.2, NM_005690.5, NM_012063.4); c.859C>T, p.Pro287Ser (NM_001278464.2, NM_001278465.2, NM_001330380.2); c.211C>T, p.Pro71Ser (NM_001278466.2); short protein forms P274S, P287S, P71S.
Identifiers: ClinVar variation 4705515 (VCV004705515.1).

ClinVar aggregate classification (germline): Uncertain significance (1 of 4 stars; one submission).

Submission:

Labcorp Genetics (formerly Invitae), Labcorp
Classification: Uncertain significance. Last evaluated: 2025-10-13. Review status: criteria provided, single submitter. Criteria: Invitae Variant Classification Sherloc (09022015). Collection method: clinical testing. Allele origin: germline.
Comment: This sequence change replaces proline, which is neutral and non-polar, with serine, which is neutral and polar, at codon 274 of the DNM1L protein (p.Pro274Ser). This variant is not present in population databases (gnomAD no frequency). This variant has not been reported in the literature in individuals affected with DNM1L-related conditions. An algorithm developed to predict the effect of missense changes on protein structure and function (PolyPhen-2) suggests that this variant is likely to be disruptive. In summary, the available evidence is currently insufficient to determine the role of this variant in disease. Therefore, it has been classified as a Variant of Uncertain Significance.